The following is an entry in ClinVar:

ClinVar aggregate classification (germline): Uncertain significance (1 of 4 stars; one submission).

Submission:

Athena Diagnostics
Classification: Uncertain significance. Last evaluated: 2021-11-15. Review status: criteria provided, single submitter. Criteria: Athena Diagnostics Criteria. Collection method: clinical testing. Allele origin: unknown.
Comment: This observation is not an independent occurrence and has been identified in the same individual by RCIGM, the other laboratory participating in the GEMINI study.

NM_000393.5(COL5A2):c.4417C>T (p.Pro1473Ser)

Gene: COL5A2 (collagen type V alpha 2 chain; minus strand). Cytogenetic location: 2q32.2.
Variant type: single nucleotide variant.
Coding change: c.4417C>T on transcript NM_000393.5 (MANE Select); coding-DNA position 4417, C replaced by T.
Protein change: p.Pro1473Ser; replaces proline 1473 with serine.
Molecular consequence: missense variant.
Genome position (GRCh38, 1-based): chr2:189,034,153, G>A on the plus strand (C>T on the coding strand, the complement: COL5A2 is on the minus strand). VCF-style: chr2-189034153-G-A. GRCh37 (hg19) VCF-style: chr2-189898879-G-A.
Other names: short protein forms P1473S.
Identifiers: ClinVar variation 1809745 (VCV001809745.1), dbSNP rs2469207185, ClinGen allele CA349854561.